The following is an entry in ClinVar:

NM_001379286.1(ZNF423):c.3516+4A>G

Gene: ZNF423 (zinc finger protein 423; minus strand). Cytogenetic location: 16q12.1.
Variant type: single nucleotide variant.
Coding change: c.3516+4A>G on transcript NM_001379286.1 (MANE Select); 4 bases into the intron after coding-DNA position 3516, A replaced by G.
Molecular consequence: intron variant.
Genome position (GRCh38, 1-based): chr16:49,635,656, T>C on the plus strand (A>G on the coding strand, the complement: ZNF423 is on the minus strand). VCF-style: chr16-49635656-T-C. GRCh37 (hg19) VCF-style: chr16-49669567-T-C.
Other names: c.3492+4A>G (NM_015069.5); c.3141+4A>G (NM_001330533.2); c.3312+4A>G (NM_001271620.2).
Identifiers: ClinVar variation 1349511 (VCV001349511.6), dbSNP rs1972662103, ClinGen allele CA977153698.

ClinVar aggregate classification (germline): Uncertain significance (1 of 4 stars; one submission).

Conditions:
Nephronophthisis 14 (NPHP14). Identifiers: Orphanet 2318, MedGen C3539071, MONDO:0013916, OMIM 614844.

Allele frequency attached by ClinVar (database versions not stated): gnomAD 0.00001; gnomAD exomes 0.00001; TOPMed 0.00001.
gnomAD v4.1: 11 of 1,558,936 alleles (0.00071%); highest among the groups gnomAD compares: Middle Eastern, 0.035%; no homozygotes.

Submission:

Labcorp Genetics (formerly Invitae), Labcorp
Classification: Uncertain significance for Nephronophthisis 14. Last evaluated: 2023-07-03. Review status: criteria provided, single submitter. Criteria: Invitae Variant Classification Sherloc (09022015). Collection method: clinical testing. Allele origin: germline.
Comment: Variants that disrupt the consensus splice site are a relatively common cause of aberrant splicing (PMID: 17576681, 9536098). Algorithms developed to predict the effect of sequence changes on RNA splicing suggest that this variant is not likely to affect RNA splicing. In summary, the available evidence is currently insufficient to determine the role of this variant in disease. Therefore, it has been classified as a Variant of Uncertain Significance. ClinVar contains an entry for this variant (Variation ID: 1349511). This variant has not been reported in the literature in individuals affected with ZNF423-related conditions. This variant is not present in population databases (gnomAD no frequency). This sequence change falls in intron 4 of the ZNF423 gene. It does not directly change the encoded amino acid sequence of the ZNF423 protein. It affects a nucleotide within the consensus splice site.

Literature cited by the submitters: PubMed 17576681; PubMed 9536098.